The following is an entry in ClinVar:

ClinVar aggregate classification (germline): Pathogenic (1 of 4 stars; one submission).

Conditions:
Inborn genetic diseases. Identifiers: MedGen C0950123, MeSH D030342.

Submission:

Ambry Genetics
Classification: Pathogenic for Inborn genetic diseases. Last evaluated: 2019-04-05. Review status: criteria provided, single submitter. Criteria: Ambry Variant Classification Scheme 2023. Collection method: clinical testing. Allele origin: germline.
Comment: The p.Q1279* pathogenic mutation (also known as c.3835C>T), located in coding exon 23 of the KDM5C gene, results from a C to T substitution at nucleotide position 3835. This changes the amino acid from a glutamine to a stop codon within coding exon 23. This alteration is expected to result in loss of function by premature protein truncation or nonsense-mediated mRNA decay. As such, this alteration is interpreted as a disease-causing mutation.

NM_004187.5(KDM5C):c.3835C>T (p.Gln1279Ter)

Gene: KDM5C (lysine demethylase 5C; minus strand). Cytogenetic location: Xp11.22.
Variant type: single nucleotide variant.
Coding change: c.3835C>T on transcript NM_004187.5 (MANE Select); coding-DNA position 3835, C replaced by T.
Protein change: p.Gln1279Ter; replaces glutamine 1279 with a stop codon.
Molecular consequence: nonsense. On other transcripts: non-coding transcript variant (3).
Genome position (GRCh38, 1-based): chrX:53,194,342, G>A on the plus strand (C>T on the coding strand, the complement: KDM5C is on the minus strand). VCF-style: chrX-53194342-G-A. GRCh37 (hg19) VCF-style: chrX-53223524-G-A.
Other names: c.3832C>T, p.Gln1278Ter (NM_001353982.2, NM_001282622.3, NM_001353979.2); c.3835C>T, p.Gln1279Ter (NM_001353984.2, NM_001353978.3, NM_001353981.2); c.3634C>T, p.Gln1212Ter (NM_001146702.2); short protein forms Q1279*, Q1212*, Q1278*.
Identifiers: ClinVar variation 1735378 (VCV001735378.2), dbSNP rs2146820641, ClinGen allele CA413106949.
Genomic context (GRCh38, chrX:53,194,342, plus strand): 5'-CAGAGGCCAGAGCCTGCCTGGCGCGGCCTTGCCAGCTGATGGCCCTCTCTGTGAGGCACT[G>A]CAGGGCCTCGCCCTCGGGCAGCCGCACAGGCAGTCTCTGCAGGGCTACCAGCAGTGCCAG-3'